The following is an entry in ClinVar:

NM_182977.3(NNT):c.2192C>T (p.Thr731Met)

Gene: NNT (nicotinamide nucleotide transhydrogenase; plus strand). Cytogenetic location: 5p12.
Variant type: single nucleotide variant.
Coding change: c.2192C>T on transcript NM_182977.3 (MANE Select); coding-DNA position 2192, C replaced by T.
Protein change: p.Thr731Met; replaces threonine 731 with methionine.
Molecular consequence: missense variant.
Genome position (GRCh38, 1-based): chr5:43,655,972, C>T. VCF-style: chr5-43655972-C-T. GRCh37 (hg19) VCF-style: chr5-43656074-C-T.
Other names: c.1799C>T, p.Thr600Met (NM_001331026.2); c.2192C>T, p.Thr731Met (NM_012343.4); short protein forms T600M, T731M.
Identifiers: ClinVar variation 704246 (VCV000704246.35), dbSNP rs75710404, ClinGen allele CA3258181.

ClinVar aggregate classification (germline): Benign/Likely benign. Review status: criteria provided, multiple submitters, no conflicts (2 of 4 stars). 3 submissions from 3 submitters: Benign (2); Likely benign (1). Last evaluated 2026-01-27.

Allele frequency attached by ClinVar (database versions not stated): 1000 Genomes Project 0.00339; 1000 Genomes Project 30x 0.00359; TOPMed 0.00579; gnomAD 0.00588 and 0.00602; ESP Exome Variant Server 0.00600; ExAC 0.00739; gnomAD exomes 0.00749 and 0.00786.
gnomAD v4.1: 12,456 of 1,614,130 alleles (0.77%); highest among the groups gnomAD compares: Middle Eastern, 1.6%; 60 homozygotes.

Submissions (3):

Labcorp Genetics (formerly Invitae), Labcorp
Classification: Benign. Last evaluated: 2026-01-27. Review status: criteria provided, single submitter. Criteria: Invitae Variant Classification Sherloc (09022015). Collection method: clinical testing. Allele origin: germline.

CeGaT Center for Human Genetics Tuebingen
Classification: Likely benign. Last evaluated: 2025-01-01. Review status: criteria provided, single submitter. Criteria: CeGaT Center For Human Genetics Tuebingen Variant Classification Criteria Version 2. Collection method: clinical testing. Allele origin: germline. Affected: yes. Observed: 7 variant alleles.
Comment: NNT: BP4, BS2

Breakthrough Genomics
Classification: Benign. Review status: criteria provided, single submitter. Criteria: ACMG Guidelines, 2015. Collection method: not provided. Allele origin: germline. Inheritance: Autosomal recessive inheritance. Affected: yes.